The following is an entry in ClinVar:

ClinVar aggregate classification (germline): Pathogenic. Review status: criteria provided, single submitter (1 of 4 stars). 2 submissions from 2 submitters: Pathogenic (1). 1 of the submissions does not count toward it. Last evaluated 2024-03-01.

Conditions:
Congenital myopathy 18. Also called: Myopathy, congenital, due to dihydropyridine receptor defect; DIHYDROPYRIDINE RECEPTOR CONGENITAL MYOPATHY; DHPR CONGENITAL MYOPATHY. Identifiers: MedGen C5830283, MONDO:0859514, OMIM 620246.
Centronuclear myopathy (CNM). Also called: Centronuclear myopathy, congenital; Myotubular myopathy. Identifiers: Orphanet 595, MedGen C0175709, MONDO:0018947. Inheritance: All.

Submissions (2):

Muscle and Diseases Team, Institut de Génétique et Biologie Moléculaire et Cellulaire
Classification: Pathogenic for Centronuclear myopathy. Last evaluated: 2024-03-01. Review status: criteria provided, single submitter. Criteria: ACMG Guidelines, 2015. Collection method: research. Allele origin: maternal. Affected: yes. Observed: 1 variant allele.
Comment: PS3+PM1+PM2+PP3+PP4

OMIM
Classification: Pathogenic for CONGENITAL MYOPATHY 18, AUTOSOMAL DOMINANT. Last evaluated: 2024-07-16. Review status: no assertion criteria provided. Collection method: literature only. Allele origin: germline. Not counted in ClinVar's aggregate classification.

Literature cited by the submitters: DOI 10.1186/s13073-024-01353-0 (cited by Muscle and Diseases Team, Institut de Génétique et Biologie Moléculaire et Cellulaire); PubMed 28012042 (cited by Muscle and Diseases Team, Institut de Génétique et Biologie Moléculaire et Cellulaire and OMIM).

NM_000069.3(CACNA1S):c.2225C>A (p.Pro742Gln)

Gene: CACNA1S (calcium voltage-gated channel subunit alpha1 S; minus strand). Cytogenetic location: 1q32.1.
Variant type: single nucleotide variant.
Coding change: c.2225C>A on transcript NM_000069.3 (MANE Select); coding-DNA position 2225, C replaced by A.
Protein change: p.Pro742Gln; replaces proline 742 with glutamine.
Molecular consequence: missense variant.
Genome position (GRCh38, 1-based): chr1:201,072,757, G>T on the plus strand (C>A on the coding strand, the complement: CACNA1S is on the minus strand). VCF-style: chr1-201072757-G-T. GRCh37 (hg19) VCF-style: chr1-201041885-G-T.
Other names: P742Q.
Identifiers: ClinVar variation 2443904 (VCV002443904.4), dbSNP rs2102135828, ClinGen allele CA344111786.